The following is an entry in ClinVar:

NM_000211.5(ITGB2):c.1945G>C (p.Gly649Arg)

Gene: ITGB2 (integrin subunit beta 2; minus strand). Cytogenetic location: 21q22.3.
Variant type: single nucleotide variant.
Coding change: c.1945G>C on transcript NM_000211.5 (MANE Select); coding-DNA position 1945, G replaced by C.
Protein change: p.Gly649Arg; replaces glycine 649 with arginine.
Molecular consequence: missense variant.
Genome position (GRCh38, 1-based): chr21:44,888,828, C>G on the plus strand (G>C on the coding strand, the complement: ITGB2 is on the minus strand). VCF-style: chr21-44888828-C-G. GRCh37 (hg19) VCF-style: chr21-46308743-C-G.
Other names: c.1945G>C, p.Gly649Arg (NM_001127491.3); c.1738G>C, p.Gly580Arg (NM_001303238.2); short protein forms G580R, G649R.
Identifiers: ClinVar variation 3616820 (VCV003616820.2).

ClinVar aggregate classification (germline): Uncertain significance (1 of 4 stars; one submission).

Conditions:
Leukocyte adhesion deficiency 1 (LAD1). Also called: LEUKOCYTE ADHESION DEFICIENCY, TYPE I; LAD 1; Lymphocyte function-associated antigen 1 immunodeficiency; LFA 1 immunodeficiency. Identifiers: Orphanet 2968, Orphanet 99842, MedGen C0398738, MONDO:0007293, OMIM 116920.

gnomAD v4.1: 3 of 1,610,916 alleles (0.00019%); highest among the groups gnomAD compares: East Asian, 0.0067%; no homozygotes.

Submission:

Labcorp Genetics (formerly Invitae), Labcorp
Classification: Uncertain significance for Leukocyte adhesion deficiency 1. Last evaluated: 2024-08-12. Review status: criteria provided, single submitter. Criteria: Invitae Variant Classification Sherloc (09022015). Collection method: clinical testing. Allele origin: germline.
Comment: This sequence change replaces glycine, which is neutral and non-polar, with arginine, which is basic and polar, at codon 649 of the ITGB2 protein (p.Gly649Arg). This variant is present in population databases (rs778474121, gnomAD 0.03%). This variant has not been reported in the literature in individuals affected with ITGB2-related conditions. An algorithm developed to predict the effect of missense changes on protein structure and function outputs the following: PolyPhen-2: "Benign". The arginine amino acid residue is found in multiple mammalian species, which suggests that this missense change does not adversely affect protein function. In summary, the available evidence is currently insufficient to determine the role of this variant in disease. Therefore, it has been classified as a Variant of Uncertain Significance.